The following is an entry in ClinVar:

ClinVar aggregate classification (germline): Uncertain significance. Review status: criteria provided, multiple submitters, no conflicts (2 of 4 stars). 2 submissions from 2 submitters: Uncertain significance (2). Last evaluated 2024-12-04.

Conditions:
Inborn genetic diseases. Identifiers: MedGen C0950123, MeSH D030342.

gnomAD v4.1: 2 of 1,599,754 alleles (0.00013%); highest among the groups gnomAD compares: African/African-American, 0.0027%; no homozygotes.

Submissions (2):

Ambry Genetics
Classification: Uncertain significance for Inborn genetic diseases. Last evaluated: 2024-12-04. Review status: criteria provided, single submitter. Criteria: Ambry Variant Classification Scheme 2023. Collection method: clinical testing. Allele origin: germline.

GeneDx
Classification: Uncertain significance. Last evaluated: 2023-06-21. Review status: criteria provided, single submitter. Criteria: GeneDx Variant Classification Process June 2021. Collection method: clinical testing. Allele origin: germline. Affected: yes.
Comment: Not observed at significant frequency in large population cohorts (gnomAD); In silico analysis supports that this missense variant has a deleterious effect on protein structure/function; Has not been previously published as pathogenic or benign to our knowledge

NM_005219.5(DIAPH1):c.3250G>A (p.Asp1084Asn)

Gene: DIAPH1 (diaphanous related formin 1; minus strand). Cytogenetic location: 5q31.3.
Variant type: single nucleotide variant.
Coding change: c.3250G>A on transcript NM_005219.5 (MANE Select); coding-DNA position 3250, G replaced by A.
Protein change: p.Asp1084Asn; replaces aspartic acid 1084 with asparagine.
Molecular consequence: missense variant.
Genome position (GRCh38, 1-based): chr5:141,527,596, C>T on the plus strand (G>A on the coding strand, the complement: DIAPH1 is on the minus strand). VCF-style: chr5-141527596-C-T. GRCh37 (hg19) VCF-style: chr5-140907163-C-T.
Other names: c.3223G>A, p.Asp1075Asn (NM_001079812.3); c.3250G>A, p.Asp1084Asn (NM_001314007.2); short protein forms D1075N, D1084N.
Identifiers: ClinVar variation 3340378 (VCV003340378.2).